The following is an entry in ClinVar:

ClinVar aggregate classification (germline): Likely pathogenic. Review status: criteria provided, multiple submitters, no conflicts (2 of 4 stars). 3 submissions from 3 submitters: Likely pathogenic (3). Last evaluated 2024-06-06.

Conditions:
Ataxia-telangiectasia-like disorder (ATLD). Identifiers: MedGen C1858391, MONDO:0011457.
MRE11A-related disorders.
Hereditary cancer-predisposing syndrome. Also called: Hereditary neoplastic syndrome; Neoplastic Syndromes, Hereditary; Tumor predisposition; Hereditary Cancer Syndrome. Identifiers: Orphanet 140162, MedGen C0027672, MeSH D009386, MONDO:0015356.

Submissions (3):

Blueprint Genetics
Classification: Likely pathogenic for MRE11A-related disorders. Last evaluated: 2024-06-06. Review status: criteria provided, single submitter. Criteria: ACMG Guidelines, 2015. Collection method: clinical testing. Allele origin: germline. Affected: yes. Observed: 3 variant alleles.

Labcorp Genetics (formerly Invitae), Labcorp
Classification: Likely pathogenic for Ataxia-telangiectasia-like disorder. Last evaluated: 2022-08-21. Review status: criteria provided, single submitter. Criteria: Invitae Variant Classification Sherloc (09022015). Collection method: clinical testing. Allele origin: germline.
Comment: In summary, the currently available evidence indicates that the variant is pathogenic, but additional data are needed to prove that conclusively. Therefore, this variant has been classified as Likely Pathogenic. Algorithms developed to predict the effect of sequence changes on RNA splicing suggest that this variant may disrupt the consensus splice site. This variant has not been reported in the literature in individuals affected with MRE11-related conditions. This variant is not present in population databases (gnomAD no frequency). This sequence change affects an acceptor splice site in intron 8 of the MRE11 gene. It is expected to disrupt RNA splicing. Variants that disrupt the donor or acceptor splice site typically lead to a loss of protein function (PMID: 16199547), and loss-of-function variants in MRE11 are known to be pathogenic (PMID: 23080121, 23912341).

Ambry Genetics
Classification: Likely pathogenic for Hereditary cancer-predisposing syndrome. Last evaluated: 2020-04-06. Review status: criteria provided, single submitter. Criteria: Ambry Variant Classification Scheme 2023. Collection method: clinical testing. Allele origin: germline.
Comment: The c.846-1G>T intronic variant results from a G to T substitution one nucleotide upstream from coding exon 8 of the MRE11A gene. This nucleotide position is highly conserved in available vertebrate species. Using the BDGP and ESEfinder splice site prediction tools, this alteration is predicted to abolish the native splice acceptor site; however, direct evidence is unavailable. Alterations that disrupt the canonical splice site are expected to cause aberrant splicing, resulting in an abnormal protein or a transcript that is subject to nonsense-mediated mRNA decay. As such, this alteration is classified as likely pathogenic.

Literature cited by the submitters: PubMed 16199547 (cited by Labcorp Genetics (formerly Invitae), Labcorp); PubMed 23080121 (cited by Labcorp Genetics (formerly Invitae), Labcorp); PubMed 23912341 (cited by Labcorp Genetics (formerly Invitae), Labcorp).

NM_005591.4(MRE11):c.846-1G>T

Gene: MRE11 (MRE11 double strand break repair nuclease; minus strand). Cytogenetic location: 11q21.
Variant type: single nucleotide variant.
Coding change: c.846-1G>T on transcript NM_005591.4 (MANE Select); the canonical splice acceptor site of the intron before coding-DNA position 846, G replaced by T.
Molecular consequence: splice acceptor variant.
Genome position (GRCh38, 1-based): chr11:94,470,643, C>A on the plus strand (G>T on the coding strand, the complement: MRE11 is on the minus strand). VCF-style: chr11-94470643-C-A. GRCh37 (hg19) VCF-style: chr11-94203809-C-A.
Other names: c.846-1G>T (NM_001330347.2, NM_005590.4).
Identifiers: ClinVar variation 1800218 (VCV001800218.8), dbSNP rs2496485739, ClinGen allele CA382374964.
Genomic context (GRCh38, chr11:94,470,643, plus strand): 5'-TGAAGAGGAATTTTATGCATATTCATCTTCCTCCCTTTAATACGCAGCAAACCAACATGT[C>A]TGAAGTGGAGAGAAATGAACACCGAGTCACAGTGTAAATTTCCTCAGGGTGATGTGCAAA-3'